The following is an entry in ClinVar:

ClinVar aggregate classification (germline): Uncertain significance (1 of 4 stars; one submission).

Submission:

ISCA site 14
Classification: Uncertain significance. Last evaluated: 2011-08-12. Review status: criteria provided, single submitter. Criteria: Kaminsky et al. (Genet Med. 2011). Collection method: clinical testing. Allele origin: maternal. Affected: yes. Observed: 1 variant allele.
Comment: Copy number variation identified through the course of routine clinical cytogenomic testing in postnatal populations. Clinical assertions have been curated as described in Kaminsky et al. 2011.

GRCh38/hg38 Xp22.33(chrX:803178-953090)x0

Genes: CNE6 (CNE6 enhancer downstream of SHOX; plus strand), CNE7 (CNE7 enhancer downstream of SHOX; plus strand), CNE8 (CNE8 enhancer downstream of SHOX; plus strand), CNE9 (CNE9 enhancer downstream of SHOX; plus strand), LOC108251802 (SHOX downstream enhancer, distal recombination region; plus strand) and 1 more. Cytogenetic location: Xp22.33.
Variant type: copy number loss.
Change: copy number 0 of chrX:803,178-953,090 (149.9 kb, GRCh38 coordinates, 1-based), cytogenetic band Xp22.33.
Identifiers: ClinVar variation 59093 (VCV000059093.1).